The following is an entry in ClinVar:

NM_000465.4(BARD1):c.477T>A (p.Ser159Arg)

Gene: BARD1 (BRCA1 associated RING domain 1; minus strand). Cytogenetic location: 2q35.
Variant type: single nucleotide variant.
Coding change: c.477T>A on transcript NM_000465.4 (MANE Select); coding-DNA position 477, T replaced by A.
Protein change: p.Ser159Arg; replaces serine 159 with arginine.
Molecular consequence: missense variant. On other transcripts: non-coding transcript variant (2), intron variant (3).
Genome position (GRCh38, 1-based): chr2:214,781,397, A>T on the plus strand (T>A on the coding strand, the complement: BARD1 is on the minus strand). VCF-style: chr2-214781397-A-T. GRCh37 (hg19) VCF-style: chr2-215646121-A-T.
Other names: c.420T>A, p.Ser140Arg (NM_001282543.2); c.158+28015T>A (NM_001282548.2); c.215+15664T>A (NM_001282545.2); c.364+10900T>A (NM_001282549.2); short protein forms S140R, S159R.
Identifiers: ClinVar variation 3479749 (VCV003479749.1).

ClinVar aggregate classification (germline): Uncertain significance (1 of 4 stars; one submission).

Conditions:
Hereditary cancer-predisposing syndrome. Also called: Tumor predisposition; Neoplastic Syndromes, Hereditary; Hereditary neoplastic syndrome; Hereditary Cancer Syndrome. Identifiers: Orphanet 140162, MedGen C0027672, MeSH D009386, MONDO:0015356.

Submission:

Ambry Genetics
Classification: Uncertain significance for Hereditary cancer-predisposing syndrome. Last evaluated: 2024-12-10. Review status: criteria provided, single submitter. Criteria: Ambry Variant Classification Scheme 2023. Collection method: clinical testing. Allele origin: germline.
Comment: The p.S159R variant (also known as c.477T>A), located in coding exon 4 of the BARD1 gene, results from a T to A substitution at nucleotide position 477. The serine at codon 159 is replaced by arginine, an amino acid with dissimilar properties. This amino acid position is conserved. In addition, this alteration is predicted to be tolerated by in silico analysis. Based on the available evidence, the clinical significance of this variant remains unclear.